The following is an entry in ClinVar:

ClinVar aggregate classification (germline): Uncertain significance. Review status: criteria provided, multiple submitters, no conflicts (2 of 4 stars). 2 submissions from 2 submitters: Uncertain significance (2). Last evaluated 2025-01-20.

Conditions:
Birt-Hogg-Dube syndrome 1 (BHD1). Also called: FIBROFOLLICULOMAS WITH TRICHODISCOMAS AND ACROCHORDONS. Identifiers: Orphanet 122, MedGen CN375946, MONDO:0800445, OMIM 135150.
Birt-Hogg-Dube syndrome. Also called: Birt Hogg Dubé syndrome. Identifiers: Orphanet 122, MedGen C0346010, MONDO:0800444.

Submissions (2):

Labcorp Genetics (formerly Invitae), Labcorp
Classification: Uncertain significance for Birt-Hogg-Dube syndrome. Last evaluated: 2025-01-20. Review status: criteria provided, single submitter. Criteria: Invitae Variant Classification Sherloc (09022015). Collection method: clinical testing. Allele origin: germline.
Comment: This sequence change replaces leucine, which is neutral and non-polar, with valine, which is neutral and non-polar, at codon 369 of the FLCN protein (p.Leu369Val). This variant is not present in population databases (gnomAD no frequency). This variant has not been reported in the literature in individuals affected with FLCN-related conditions. ClinVar contains an entry for this variant (Variation ID: 1430962). Invitae Evidence Modeling of protein sequence and biophysical properties (such as structural, functional, and spatial information, amino acid conservation, physicochemical variation, residue mobility, and thermodynamic stability) indicates that this missense variant is not expected to disrupt FLCN protein function with a negative predictive value of 80%. In summary, the available evidence is currently insufficient to determine the role of this variant in disease. Therefore, it has been classified as a Variant of Uncertain Significance.

Baylor Genetics
Classification: Uncertain significance for Birt-Hogg-Dube syndrome 1. Last evaluated: 2024-02-13. Review status: criteria provided, single submitter. Criteria: ACMG Guidelines, 2015. Collection method: clinical testing. Allele origin: unknown.

NM_144997.7(FLCN):c.1105C>G (p.Leu369Val)

Gene: FLCN (folliculin; minus strand). Cytogenetic location: 17p11.2.
Variant type: single nucleotide variant.
Coding change: c.1105C>G on transcript NM_144997.7 (MANE Select); coding-DNA position 1105, C replaced by G.
Protein change: p.Leu369Val; replaces leucine 369 with valine.
Molecular consequence: missense variant.
Genome position (GRCh38, 1-based): chr17:17,217,140, G>C on the plus strand (C>G on the coding strand, the complement: FLCN is on the minus strand). VCF-style: chr17-17217140-G-C. GRCh37 (hg19) VCF-style: chr17-17120454-G-C.
Other names: c.1159C>G, p.Leu387Val (NM_001353229.2); c.1105C>G, p.Leu369Val (NM_001353230.2, NM_001353231.2); short protein forms L369V, L387V.
Identifiers: ClinVar variation 1430962 (VCV001430962.9), dbSNP rs2144870384, ClinGen allele CA398532321.
Genomic context (GRCh38, chr17:17,217,140, plus strand): 5'-CAAAAGCTGACTGGACGAGGTCCACGTCTCTGCTTTTCCAGATCACCTGGTTCCCCATGA[G>C]AACGTGCCAGGCCAGCATGCGGAAAGAAGGGGCACCCAGGACCTAAACAAGAGAGTGCAG-3'
Protein context (NP_659434.2, residues 359-379): PSFRMLAWHV[Leu369Val]MGNQVIWKSR